The following is an entry in ClinVar:

ClinVar aggregate classification (germline): Uncertain significance (1 of 4 stars; one submission).

Conditions:
Long QT syndrome (LQTS). Identifiers: MedGen C0023976, MeSH D008133, MONDO:0002442. Disease mechanism: loss of function. Inheritance: Various modes of inheritance.

Submission:

Labcorp Genetics (formerly Invitae), Labcorp
Classification: Uncertain significance for Long QT syndrome. Last evaluated: 2025-12-16. Review status: criteria provided, single submitter. Criteria: Invitae Variant Classification Sherloc (09022015). Collection method: clinical testing. Allele origin: germline.
Comment: This sequence change replaces lysine, which is basic and polar, with isoleucine, which is neutral and non-polar, at codon 2873 of the ANK2 protein (p.Lys2873Ile). This variant is not present in population databases (gnomAD no frequency). This variant has not been reported in the literature in individuals affected with ANK2-related conditions. An algorithm developed to predict the effect of missense changes on protein structure and function (PolyPhen-2) suggests that this variant is likely to be disruptive. In summary, the available evidence is currently insufficient to determine the role of this variant in disease. Therefore, it has been classified as a Variant of Uncertain Significance.

NM_001148.6(ANK2):c.8618A>T (p.Lys2873Ile)

Gene: ANK2 (ankyrin 2; plus strand). Cytogenetic location: 4q26.
Variant type: single nucleotide variant.
Coding change: c.8618A>T on transcript NM_001148.6 (MANE Select); coding-DNA position 8618, A replaced by T.
Protein change: p.Lys2873Ile; replaces lysine 2873 with isoleucine.
Molecular consequence: missense variant. On other transcripts: intron variant (68).
Genome position (GRCh38, 1-based): chr4:113,357,236, A>T. VCF-style: chr4-113357236-A-T. GRCh37 (hg19) VCF-style: chr4-114278392-A-T.
Other names: c.8384A>T, p.Lys2795Ile (NM_001386142.1); c.5018A>T, p.Lys1673Ile (NM_001386166.1); c.8759A>T, p.Lys2920Ile (NM_001386174.1); c.8735A>T, p.Lys2912Ile (NM_001386175.1); c.4412-3587A>T (NM_001386186.2, NM_001386148.2); c.4214-3587A>T (NM_001354269.3); c.4292-3587A>T (NM_001386187.2); c.4253-3587A>T (NM_001386147.1); and 35 more; short protein forms K2912I, K2795I, K1673I, K2873I, K2920I.
Identifiers: ClinVar variation 4732815 (VCV004732815.1).